The following is an entry in ClinVar:

NM_030962.4(SBF2):c.2911C>T (p.Gln971Ter)

Genes: SBF2 (SET binding factor 2; minus strand), LOC101928008 (uncharacterized LOC101928008; plus strand). Cytogenetic location: 11p15.4.
Variant type: single nucleotide variant.
Coding change: c.2911C>T on transcript NM_030962.4 (MANE Select); coding-DNA position 2911, C replaced by T.
Protein change: p.Gln971Ter; replaces glutamine 971 with a stop codon.
Molecular consequence: nonsense.
Genome position (GRCh38, 1-based): chr11:9,846,979, G>A on the plus strand (C>T on the coding strand, the complement: SBF2 is on the minus strand). VCF-style: chr11-9846979-G-A. GRCh37 (hg19) VCF-style: chr11-9868526-G-A.
Other names: c.2911C>T, p.Gln971Ter (NM_001386339.1); c.2782C>T, p.Gln928Ter (NM_001386342.1); c.2947C>T, p.Gln983Ter (NM_001424318.1, NM_001425069.1, NM_001425070.1); short protein forms Q928*, Q971*, Q983*.
Identifiers: ClinVar variation 3678971 (VCV003678971.2).

ClinVar aggregate classification (germline): Pathogenic (1 of 4 stars; one submission).

Conditions:
Charcot-Marie-Tooth disease type 4. Also called: Charcot-Marie-Tooth disease, type IV; Charcot-Marie-Tooth, Type 4. Identifiers: Orphanet 64749, MedGen C4082197, MONDO:0018995.

Submission:

Labcorp Genetics (formerly Invitae), Labcorp
Classification: Pathogenic for Charcot-Marie-Tooth disease type 4. Last evaluated: 2024-03-15. Review status: criteria provided, single submitter. Criteria: Invitae Variant Classification Sherloc (09022015). Collection method: clinical testing. Allele origin: germline.
Comment: This sequence change creates a premature translational stop signal (p.Gln971*) in the SBF2 gene. It is expected to result in an absent or disrupted protein product. Loss-of-function variants in SBF2 are known to be pathogenic (PMID: 12687498, 25873783). This variant is not present in population databases (gnomAD no frequency). This variant has not been reported in the literature in individuals affected with SBF2-related conditions. For these reasons, this variant has been classified as Pathogenic.

Literature cited by the submitters: PubMed 12687498; PubMed 25873783.